The following is an entry in ClinVar:

ClinVar aggregate classification (germline): Uncertain significance (1 of 4 stars; one submission).

Conditions:
ISL1-related disorder. Also called: ISL1-related condition.

gnomAD v4.1: 34 of 1,614,188 alleles (0.0021%); highest among the groups gnomAD compares: Non-Finnish European, 0.0028%; no homozygotes.

Submission:

PreventionGenetics, part of Exact Sciences
Classification: Uncertain significance for ISL1-related condition. Last evaluated: 2025-10-03. Review status: criteria provided, single submitter. Criteria: ACMG Guidelines, 2015. Collection method: clinical testing. Allele origin: germline.
Comment: The ISL1 c.869C>T variant is predicted to result in the amino acid substitution p.Pro290Leu. To our knowledge, this variant has not been reported in the literature. This variant is reported in 0.0029% of alleles in individuals of Latino descent in gnomAD. At this time, the clinical significance of this variant is uncertain due to the absence of conclusive functional and genetic evidence.

NM_002202.3(ISL1):c.869C>T (p.Pro290Leu)

Gene: ISL1 (ISL LIM homeobox 1; plus strand). Cytogenetic location: 5q11.1.
Variant type: single nucleotide variant.
Coding change: c.869C>T on transcript NM_002202.3 (MANE Select); coding-DNA position 869, C replaced by T.
Protein change: p.Pro290Leu; replaces proline 290 with leucine.
Molecular consequence: missense variant.
Genome position (GRCh38, 1-based): chr5:51,391,377, C>T. VCF-style: chr5-51391377-C-T. GRCh37 (hg19) VCF-style: chr5-50687211-C-T.
Other names: short protein forms P290L.
Identifiers: ClinVar variation 2635554 (VCV002635554.2), dbSNP rs751441737, ClinGen allele CA118608233.